The following is an entry in ClinVar:

ClinVar aggregate classification (germline): Uncertain significance. Review status: criteria provided, multiple submitters, no conflicts (2 of 4 stars). 2 submissions from 2 submitters: Uncertain significance (2). Last evaluated 2025-02-25.

Conditions:
Inborn genetic diseases. Identifiers: MedGen C0950123, MeSH D030342.

Allele frequency attached by ClinVar (database versions not stated): TOPMed 0.00001; ExAC 0.00001.

Submissions (2):

Labcorp Genetics (formerly Invitae), Labcorp
Classification: Uncertain significance. Last evaluated: 2025-02-25. Review status: criteria provided, single submitter. Criteria: Invitae Variant Classification Sherloc (09022015). Collection method: clinical testing. Allele origin: germline.
Comment: This sequence change replaces alanine, which is neutral and non-polar, with threonine, which is neutral and polar, at codon 155 of the CYP27B1 protein (p.Ala155Thr). This variant is present in population databases (rs754435549, gnomAD 0.007%). This variant has not been reported in the literature in individuals affected with CYP27B1-related conditions. ClinVar contains an entry for this variant (Variation ID: 1959303). Invitae Evidence Modeling of protein sequence and biophysical properties (such as structural, functional, and spatial information, amino acid conservation, physicochemical variation, residue mobility, and thermodynamic stability) indicates that this missense variant is not expected to disrupt CYP27B1 protein function with a negative predictive value of 80%. In summary, the available evidence is currently insufficient to determine the role of this variant in disease. Therefore, it has been classified as a Variant of Uncertain Significance.

Ambry Genetics
Classification: Uncertain significance for Inborn genetic diseases. Last evaluated: 2024-09-26. Review status: criteria provided, single submitter. Criteria: Ambry Variant Classification Scheme 2023. Collection method: clinical testing. Allele origin: germline.

NM_000785.4(CYP27B1):c.463G>A (p.Ala155Thr)

Gene: CYP27B1 (cytochrome P450 family 27 subfamily B member 1; minus strand). Cytogenetic location: 12q14.1.
Variant type: single nucleotide variant.
Coding change: c.463G>A on transcript NM_000785.4 (MANE Select); coding-DNA position 463, G replaced by A.
Protein change: p.Ala155Thr; replaces alanine 155 with threonine.
Molecular consequence: missense variant.
Genome position (GRCh38, 1-based): chr12:57,765,423, C>T on the plus strand (G>A on the coding strand, the complement: CYP27B1 is on the minus strand). VCF-style: chr12-57765423-C-T. GRCh37 (hg19) VCF-style: chr12-58159206-C-T.
Other names: c.463G>A (NM_000785.3); short protein forms A155T.
Identifiers: ClinVar variation 1959303 (VCV001959303.4), dbSNP rs754435549, ClinGen allele CA6658430.